The following is an entry in ClinVar:

NM_021614.4(KCNN2):c.1015C>G (p.Leu339Val)

Gene: KCNN2 (potassium calcium-activated channel subfamily N member 2; plus strand). Cytogenetic location: 5q22.3.
Variant type: single nucleotide variant.
Coding change: c.1015C>G on transcript NM_021614.4 (MANE Select); coding-DNA position 1015, C replaced by G.
Protein change: p.Leu339Val; replaces leucine 339 with valine.
Molecular consequence: missense variant. On other transcripts: non-coding transcript variant (1).
Genome position (GRCh38, 1-based): chr5:114,363,154, C>G. VCF-style: chr5-114363154-C-G. GRCh37 (hg19) VCF-style: chr5-113698851-C-G.
Other names: c.1213C>G, p.Leu405Val (NM_001372233.1); short protein forms L339V, L405V.
Identifiers: ClinVar variation 3899743 (VCV003899743.1).
Genomic context (GRCh38, chr5:114,363,154, plus strand): 5'-ACCAAGTCCAGCAAAAAGAAAAACCAGAACATCGGCTACAAGCTGGGCCACCGGCGCGCC[C>G]TGTTCGAAAAGCGCAAGCGGCTCAGCGACTACGCGCTCATCTTCGGCATGTTCGGCATCG-3'
Protein context (NP_067627.3, residues 329-349): IGYKLGHRRA[Leu339Val]FEKRKRLSDY

ClinVar aggregate classification (germline): Uncertain significance (1 of 4 stars; one submission).

gnomAD v4.1: 1 of 1,613,556 alleles (0.000062%); highest among the groups gnomAD compares: Non-Finnish European, 0.000085%; no homozygotes.

Submission:

GeneDx
Classification: Uncertain significance. Last evaluated: 2024-11-13. Review status: criteria provided, single submitter. Criteria: GeneDx Variant Classification Process June 2021. Collection method: clinical testing. Allele origin: germline. Affected: yes.
Comment: Not observed at significant frequency in large population cohorts (gnomAD); In silico analysis supports that this missense variant has a deleterious effect on protein structure/function; Has not been previously published as pathogenic or benign to our knowledge